The following is an entry in ClinVar:

NM_003322.6(TULP1):c.718+15C>T

Gene: TULP1 (TUB like protein 1; minus strand). Cytogenetic location: 6p21.31.
Variant type: single nucleotide variant.
Coding change: c.718+15C>T on transcript NM_003322.6 (MANE Select); 15 bases into the intron after coding-DNA position 718, C replaced by T.
Molecular consequence: intron variant.
Genome position (GRCh38, 1-based): chr6:35,509,619, G>A on the plus strand (C>T on the coding strand, the complement: TULP1 is on the minus strand). VCF-style: chr6-35509619-G-A. GRCh37 (hg19) VCF-style: chr6-35477396-G-A.
Other names: c.559+15C>T (NM_001289395.2); c.718+15C>T (NM_003322.5).
Identifiers: ClinVar variation 1596411 (VCV001596411.10), dbSNP rs1295580928, ClinGen allele CA566703267.
Genomic context (GRCh38, chr6:35,509,619, plus strand): 5'-CTGTAAGGACCCTCTAGCTCCCCGCCCCCAGGACCACCTCAAGATGTCACCACACCAGAA[G>A]CCCTTGCCATCCACCTTTCTTCTTCAGGGCTTTCTTGTCAGGACTGCCTTCCCCAACCAG-3'

ClinVar aggregate classification (germline): Likely benign. Review status: criteria provided, multiple submitters, no conflicts (2 of 4 stars). 2 submissions from 2 submitters: Likely benign (2). Last evaluated 2026-05-27.

Conditions:
TULP1-related disorder. Also called: TULP1-related disorders; TULP1-related condition.

Allele frequency attached by ClinVar (database versions not stated): gnomAD 0.00001.

Submissions (2):

PreventionGenetics, part of Exact Sciences
Classification: Likely benign for TULP1-related condition. Last evaluated: 2026-05-27. Review status: criteria provided, single submitter. Criteria: ACMG Guidelines, 2015. Collection method: clinical testing. Allele origin: germline.
Comment: This variant is classified as likely benign based on ACMG/AMP sequence variant interpretation guidelines (Richards et al. 2015 PMID: 25741868, with internal and published modifications).

Labcorp Genetics (formerly Invitae), Labcorp
Classification: Likely benign. Last evaluated: 2024-02-27. Review status: criteria provided, single submitter. Criteria: Invitae Variant Classification Sherloc (09022015). Collection method: clinical testing. Allele origin: germline.